The following is an entry in ClinVar:

ClinVar aggregate classification (germline): Pathogenic (1 of 4 stars; one submission).

Submission:

Labcorp Genetics (formerly Invitae), Labcorp
Classification: Pathogenic. Last evaluated: 2023-11-25. Review status: criteria provided, single submitter. Criteria: Invitae Variant Classification Sherloc (09022015). Collection method: clinical testing. Allele origin: germline.
Comment: This sequence change creates a premature translational stop signal (p.Ser917Cysfs*77) in the KMT2B gene. It is expected to result in an absent or disrupted protein product. Loss-of-function variants in KMT2B are known to be pathogenic (PMID: 27839873, 27992417). This variant is not present in population databases (gnomAD no frequency). This variant has not been reported in the literature in individuals affected with KMT2B-related conditions. For these reasons, this variant has been classified as Pathogenic.

Literature cited by the submitters: PubMed 27839873; PubMed 27992417.

NM_014727.3(KMT2B):c.2745_2746del (p.Ser917fs)

Gene: KMT2B (lysine methyltransferase 2B; plus strand). Cytogenetic location: 19q13.12.
Variant type: Deletion.
Coding change: c.2745_2746del on transcript NM_014727.3 (MANE Select); coding-DNA positions 2745 to 2746, 2 bases deleted (TG; older notation c.2745_2746delTG).
Protein change: p.Ser917fs; shifts the reading frame from serine 917.
Molecular consequence: frameshift variant.
Genome position (GRCh38, 1-based): chr19:35,723,017-35,723,018, TG deleted. VCF-style (leftmost placement, unchanged base first): chr19-35723016-CTG-C. GRCh37 (hg19) VCF-style: chr19-36213918-CTG-C.
Other names: short protein forms S917fs.
Identifiers: ClinVar variation 2698910 (VCV002698910.3), dbSNP rs2513322968, ClinGen allele CA645617500.